The following is an entry in ClinVar:

ClinVar aggregate classification (germline): Likely pathogenic (1 of 4 stars; one submission).

Conditions:
Marfan syndrome (MFS). Also called: MARFAN SYNDROME, TYPE I; Marfan syndrome type 1; Marfan's syndrome; Marfan syndrome, classic; FBN1-Related Marfan Syndrome. Identifiers: Orphanet 284963, Orphanet 558, MedGen C0024796, MONDO:0007947, OMIM 154700.

Submission:

Juno Genomics, Hangzhou Juno Genomics, Inc
Classification: Likely pathogenic for Marfan syndrome. Review status: criteria provided, single submitter. Criteria: ACMG Guidelines, 2015. Collection method: clinical testing. Allele origin: germline. Affected: yes.
Comment: Absent from controls (or at extremely low frequency if recessive) in Genome Aggregation Database, Exome Sequencing Project, 1000 Genomes Project, or Exome Aggregation Consortium.;Null variant in a gene where loss of function (LOF) is a known mechanism of disease.;The prevalence of the variant in affected individuals is significantly increased compared to the prevalence in controls.;Patient's phenotype or family history is highly specific for a disease with a single genetic etiology.

NM_000138.5(FBN1):c.6379+1G>T

Gene: FBN1 (fibrillin 1; minus strand). Cytogenetic location: 15q21.1.
Variant type: single nucleotide variant.
Coding change: c.6379+1G>T on transcript NM_000138.5 (MANE Select); the canonical splice donor site of the intron after coding-DNA position 6379, G replaced by T.
Molecular consequence: splice donor variant.
Genome position (GRCh38, 1-based): chr15:48,437,321, C>A on the plus strand (G>T on the coding strand, the complement: FBN1 is on the minus strand). VCF-style: chr15-48437321-C-A. GRCh37 (hg19) VCF-style: chr15-48729518-C-A.
Other names: c.6379+1G>T (NM_001406716.1).
Identifiers: ClinVar variation 3899344 (VCV003899344.2).